The following is an entry in ClinVar:

ClinVar aggregate classification (germline): Likely benign. Review status: criteria provided, multiple submitters, no conflicts (2 of 4 stars). 4 submissions from 4 submitters: Likely benign (4). Last evaluated 2025-09-02.

Allele frequency attached by ClinVar (database versions not stated): gnomAD exomes 0.00003 and 0.00006; ExAC 0.00007; 1000 Genomes Project 30x 0.00016; 1000 Genomes Project 0.00020; TOPMed 0.00030; ESP Exome Variant Server 0.00031; gnomAD 0.00032 and 0.00033.

Submissions (4):

Labcorp Genetics (formerly Invitae), Labcorp
Classification: Likely benign. Last evaluated: 2025-09-02. Review status: criteria provided, single submitter. Criteria: Invitae Variant Classification Sherloc (09022015). Collection method: clinical testing. Allele origin: germline.

ARUP Laboratories, Molecular Genetics and Genomics, ARUP Laboratories
Classification: Likely benign. Last evaluated: 2018-08-14. Review status: criteria provided, single submitter. Criteria: ARUP Molecular Germline Variant Investigation Process. Collection method: clinical testing. Allele origin: germline.

GeneDx
Classification: Likely benign. Last evaluated: 2017-07-03. Review status: criteria provided, single submitter. Criteria: GeneDx Variant Classification (06012015). Collection method: clinical testing. Allele origin: germline. Affected: yes.
Comment: This variant is considered likely benign or benign based on one or more of the following criteria: it is a conservative change, it occurs at a poorly conserved position in the protein, it is predicted to be benign by multiple in silico algorithms, and/or has population frequency not consistent with disease.

Breakthrough Genomics
Classification: Likely benign. Review status: criteria provided, single submitter. Criteria: ACMG Guidelines, 2015. Collection method: not provided. Allele origin: germline. Inheritance: Autosomal recessive inheritance. Affected: yes.

NM_001457.4(FLNB):c.3981G>A (p.Gln1327=)

Gene: FLNB (filamin B; plus strand). Cytogenetic location: 3p14.3.
Variant type: single nucleotide variant.
Coding change: c.3981G>A on transcript NM_001457.4 (MANE Select); coding-DNA position 3981, G replaced by A.
Protein change: p.Gln1327=; no amino-acid change (glutamine 1327 retained).
Molecular consequence: synonymous variant.
Genome position (GRCh38, 1-based): chr3:58,125,663, G>A. VCF-style: chr3-58125663-G-A. GRCh37 (hg19) VCF-style: chr3-58111390-G-A.
Other names: c.3981G>A, p.Gln1327= (NM_001164317.2, NM_001164318.2, NM_001164319.2).
Identifiers: ClinVar variation 510663 (VCV000510663.17), dbSNP rs201441533, ClinGen allele CA2468612.